The following is an entry in ClinVar:

ClinVar aggregate classification (germline): Likely pathogenic. Review status: criteria provided, single submitter (1 of 4 stars). 2 submissions from 2 submitters: Likely pathogenic (1). 1 of the submissions does not count toward it. Last evaluated 2018-10-11.

Conditions:
Limb-mammary syndrome (LMS). Also called: Mammary hypoplasia, ectrodactyly, and other hand/foot anomalies. Identifiers: Orphanet 69085, MedGen C1863753, MONDO:0011334, OMIM 603543.

gnomAD v4.1: 1 of 1,613,954 alleles (0.000062%); highest among the groups gnomAD compares: Non-Finnish European, 0.000085%; no homozygotes.

Submissions (2):

GeneDx
Classification: Likely pathogenic. Last evaluated: 2018-10-11. Review status: criteria provided, single submitter. Criteria: GeneDx Variant Classification (06012015). Collection method: clinical testing. Allele origin: germline. Affected: yes.
Comment: The R643X variant in the TP63 has not been reported previously as a pathogenic variant nor as a benign variant, to our knowledge. This variant is predicted to cause loss of normal protein function through protein truncation. The R643X variant is not observed in large population cohorts (Lek et al., 2016). We interpret R643X as a likely pathogenic variant.

OMIM
Classification: Pathogenic for LIMB-MAMMARY SYNDROME, ATYPICAL. Last evaluated: 2023-04-04. Review status: no assertion criteria provided. Collection method: literature only. Allele origin: germline. Not counted in ClinVar's aggregate classification.

Literature cited by the submitters: PubMed 32067224 (cited by OMIM).

NM_003722.5(TP63):c.1927C>T (p.Arg643Ter)

Gene: TP63 (tumor protein p63; plus strand). Cytogenetic location: 3q28.
Variant type: single nucleotide variant.
Coding change: c.1927C>T on transcript NM_003722.5 (MANE Select); coding-DNA position 1927, C replaced by T.
Protein change: p.Arg643Ter; replaces arginine 643 with a stop codon.
Molecular consequence: nonsense. On other transcripts: 3 prime UTR variant (6).
Genome position (GRCh38, 1-based): chr3:189,894,386, C>T. VCF-style: chr3-189894386-C-T. GRCh37 (hg19) VCF-style: chr3-189612175-C-T.
Other names: c.*165C>T (NM_001114978.2, NM_001114981.2); c.1645C>T, p.Arg549Ter (NM_001114980.2); c.*155C>T (NM_001329144.2, NM_001329145.2, NM_001329149.2 and 1 more transcripts); c.1390C>T, p.Arg464Ter (NM_001329146.2); c.1915C>T, p.Arg639Ter (NM_001329148.2); c.1921C>T, p.Arg641Ter (NM_001329964.2); short protein forms R643*, R549*, R641*, R464*, R639*.
Identifiers: ClinVar variation 620399 (VCV000620399.2), dbSNP rs1560311554, ClinGen allele CA355751491.